The following is an entry in ClinVar:

NM_000188.3(HK1):c.1608C>G (p.Thr536=)

Gene: HK1 (hexokinase 1; plus strand). Cytogenetic location: 10q22.1.
Variant type: single nucleotide variant.
Coding change: c.1608C>G on transcript NM_000188.3 (MANE Select); coding-DNA position 1608, C replaced by G.
Protein change: p.Thr536=; no amino-acid change (threonine 536 retained).
Molecular consequence: synonymous variant.
Genome position (GRCh38, 1-based): chr10:69,384,370, C>G. VCF-style: chr10-69384370-C-G. GRCh37 (hg19) VCF-style: chr10-71144126-C-G.
Other names: c.1620C>G, p.Thr540= (NM_001322364.2, NM_001358263.1, NM_033497.3 and 1 more transcripts); c.1713C>G, p.Thr571= (NM_001322365.2); c.1524C>G, p.Thr508= (NM_001322366.1); c.1512C>G, p.Thr504= (NM_001322367.1); c.1605C>G, p.Thr535= (NM_033496.3); c.1572C>G, p.Thr524= (NM_033500.2).
Identifiers: ClinVar variation 3027071 (VCV003027071.22), dbSNP rs2540429469, ClinGen allele CA470027134.
Genomic context (GRCh38, chr10:69,384,370, plus strand): 5'-CTTTACGCTTTTGACTGCAACAGAGAATGGTGACTTCTTGGCCCTGGATCTTGGAGGAAC[C>G]AATTTCCGTGTGCTGCTGGTGAAAATCCGTAGTGGGAAAAAGAGAACGGTGGAAATGCAC-3'
Protein context (NP_000179.2, residues 526-546): GDFLALDLGG[Thr536=]NFRVLLVKIR

ClinVar aggregate classification (germline): Likely benign (1 of 4 stars; one submission).

Submission:

CeGaT Center for Human Genetics Tuebingen
Classification: Likely benign. Last evaluated: 2024-02-01. Review status: criteria provided, single submitter. Criteria: CeGaT Center For Human Genetics Tuebingen Variant Classification Criteria Version 2. Collection method: clinical testing. Allele origin: germline. Affected: yes. Observed: 1 variant allele.
Comment: HK1: PM2:Supporting, BP4, BP7